The following is an entry in ClinVar:

NM_004970.3(IGFALS):c.*175C>T

Gene: IGFALS (insulin like growth factor binding protein acid labile subunit; minus strand). Cytogenetic location: 16p13.3.
Variant type: single nucleotide variant.
Coding change: c.*175C>T on transcript NM_004970.3 (MANE Select); 175 bases downstream of the stop codon, C replaced by T.
Molecular consequence: 3 prime UTR variant. On other transcripts: non-coding transcript variant (1).
Genome position (GRCh38, 1-based): chr16:1,790,425, G>A on the plus strand (C>T on the coding strand, the complement: IGFALS is on the minus strand). VCF-style: chr16-1790425-G-A. GRCh37 (hg19) VCF-style: chr16-1840426-G-A.
Other names: c.*175C>T (NM_001146006.2).
Identifiers: ClinVar variation 318227 (VCV000318227.5), dbSNP rs761476982, ClinGen allele CA7820176.

ClinVar aggregate classification (germline): Likely benign (1 of 4 stars; one submission).

Conditions:
Short stature due to primary acid-labile subunit deficiency. Also called: Acid-labile subunit deficiency; Acid-labile subunit, deficiency of. Identifiers: Orphanet 140941, MedGen C3900122, MONDO:0014420, OMIM 615961.

Allele frequency attached by ClinVar (database versions not stated): gnomAD 0.00017 and 0.00018; TOPMed 0.00017; gnomAD exomes 0.00023 and 0.00039; ExAC 0.00467.
gnomAD v4.1: 158 of 673,792 alleles (0.023%); highest among the groups gnomAD compares: South Asian, 0.0095%; no homozygotes.

Submission:

Illumina Laboratory Services, Illumina
Classification: Likely benign for Short stature due to primary acid-labile subunit deficiency. Last evaluated: 2018-01-13. Review status: criteria provided, single submitter. Criteria: ICSL Variant Classification Criteria 13 December 2019. Collection method: clinical testing. Allele origin: germline.
Comment: This variant was observed in the ICSL laboratory as part of a predisposition screen in an ostensibly healthy population. It had not been previously curated by ICSL or reported in the Human Gene Mutation Database (HGMD: prior to June 1st, 2018), and was therefore a candidate for classification through an automated scoring system. Utilizing variant allele frequency, disease prevalence and penetrance estimates, and inheritance mode, an automated score was calculated to assess if this variant is too frequent to cause the disease. Based on the score and internal cut-off values, a variant classified as likely benign is not then subjected to further curation. The score for this variant resulted in a classification of likely benign for this disease.